The following is an entry in ClinVar:

NM_001220.5(CAMK2B):c.779G>A (p.Arg260His)

Gene: CAMK2B (calcium/calmodulin dependent protein kinase II beta; minus strand). Cytogenetic location: 7p13.
Variant type: single nucleotide variant.
Coding change: c.779G>A on transcript NM_001220.5 (MANE Select); coding-DNA position 779, G replaced by A.
Protein change: p.Arg260His; replaces arginine 260 with histidine.
Molecular consequence: missense variant.
Genome position (GRCh38, 1-based): chr7:44,242,258, C>T on the plus strand (G>A on the coding strand, the complement: CAMK2B is on the minus strand). VCF-style: chr7-44242258-C-T. GRCh37 (hg19) VCF-style: chr7-44281857-C-T.
Other names: c.779G>A, p.Arg260His (NM_001293170.2, NM_172078.3, NM_172079.3 and 5 more transcripts); short protein forms R260H.
Identifiers: ClinVar variation 3650649 (VCV003650649.2).

ClinVar aggregate classification (germline): Uncertain significance (1 of 4 stars; one submission).

gnomAD v4.1: 1 of 1,614,026 alleles (0.000062%); highest among the groups gnomAD compares: Non-Finnish European, 0.000085%; no homozygotes.

Submission:

Labcorp Genetics (formerly Invitae), Labcorp
Classification: Uncertain significance. Last evaluated: 2024-04-24. Review status: criteria provided, single submitter. Criteria: Invitae Variant Classification Sherloc (09022015). Collection method: clinical testing. Allele origin: germline.
Comment: This sequence change replaces arginine, which is basic and polar, with histidine, which is basic and polar, at codon 260 of the CAMK2B protein (p.Arg260His). This variant is not present in population databases (gnomAD no frequency). This variant has not been reported in the literature in individuals affected with CAMK2B-related conditions. An algorithm developed to predict the effect of missense changes on protein structure and function (PolyPhen-2) suggests that this variant is likely to be disruptive. In summary, the available evidence is currently insufficient to determine the role of this variant in disease. Therefore, it has been classified as a Variant of Uncertain Significance.